The following is an entry in ClinVar:

NM_001378454.1(ALMS1):c.5451del (p.Gln1817fs)

Gene: ALMS1 (ALMS1 centrosome and basal body associated protein; plus strand). Cytogenetic location: 2p13.1.
Variant type: Deletion.
Coding change: c.5451del on transcript NM_001378454.1 (MANE Select); coding-DNA position 5451, one base deleted (G; older notation c.5451delG).
Protein change: p.Gln1817fs; shifts the reading frame from glutamine 1817.
Molecular consequence: frameshift variant.
Genome position (GRCh38, 1-based): chr2:73,451,978, G deleted. VCF-style (leftmost placement, unchanged base first): chr2-73451977-AG-A. GRCh37 (hg19) VCF-style: chr2-73679104-AG-A.
Other names: c.5454del, p.Gln1818fs (NM_015120.4); short protein forms Q1817fs, Q1818fs.
Identifiers: ClinVar variation 4815792 (VCV004815792.1).
Genomic context (GRCh38, chr2:73,451,977, plus strand): 5'-GGGTATCAACAGTAACCTCTACTTCCTACTCACACAGAGAGAAGCCCATTGTTTCCTACC[AG>A]CGAGAGTTGCCGCATTTTACTGAAGCAGGTTTGAAAATTTTAAGAGTTCCTGGACCAGCT-3'

ClinVar aggregate classification (germline): Likely pathogenic (1 of 4 stars; one submission).

Conditions:
Alstrom syndrome (ALMS). Identifiers: Orphanet 64, MedGen C0268425, MONDO:0008763, OMIM 203800.

Submission:

Natera, Inc.
Classification: Likely pathogenic for Alstrom syndrome. Last evaluated: 2024-09-18. Review status: criteria provided, single submitter. Criteria: Natera Variant Classification Schema (03/2026). Collection method: clinical testing. Allele origin: germline.
Comment: The c.5454del variant in ALMS1 is a frameshift variant predicted to shift the reading frame beginning at codon 1818 and leads to a stop codon 12 codons downstream. This variant is expected to result in nonsense mediated decay, truncation, or a dysfunctional protein product. This variant is rare in the general population with a frequency below the threshold expected for the associated phenotype(s). Given the available evidence, this variant is classified as Likely Pathogenic.